The following is an entry in ClinVar:

ClinVar aggregate classification (germline): Uncertain significance (1 of 4 stars; one submission).

Conditions:
Cystic fibrosis (CF). Also called: MUCOVISCIDOSIS. Identifiers: Orphanet 586, MedGen C0010674, MONDO:0009061, OMIM 219700. Disease mechanism: loss of function.

Allele frequency attached by ClinVar (database versions not stated): ESP Exome Variant Server 0.00008; gnomAD exomes below 0.00001; 1000 Genomes Project 0.00020; ExAC 0.00001; gnomAD 0.00003; TOPMed 0.00003; 1000 Genomes Project 30x 0.00031.

Submission:

Ambry Genetics
Classification: Uncertain significance for Cystic fibrosis. Last evaluated: 2025-05-31. Review status: criteria provided, single submitter. Criteria: Ambry Variant Classification Scheme 2023. Collection method: clinical testing. Allele origin: germline.
Comment: The p.R104G variant (also known as c.310A>G), located in coding exon 4 of the CFTR gene, results from an A to G substitution at nucleotide position 310. The arginine at codon 104 is replaced by glycine, an amino acid with dissimilar properties. This amino acid position is highly conserved in available vertebrate species. In addition, this alteration is predicted to be deleterious by in silico analysis. Since supporting evidence is limited at this time, the clinical significance of this alteration remains unclear.

NM_000492.4(CFTR):c.310A>G (p.Arg104Gly)

Gene: CFTR (CF transmembrane conductance regulator; plus strand). Cytogenetic location: 7q31.2.
Variant type: single nucleotide variant.
Coding change: c.310A>G on transcript NM_000492.4 (MANE Select); coding-DNA position 310, A replaced by G.
Protein change: p.Arg104Gly; replaces arginine 104 with glycine.
Molecular consequence: missense variant.
Genome position (GRCh38, 1-based): chr7:117,530,935, A>G. VCF-style: chr7-117530935-A-G. GRCh37 (hg19) VCF-style: chr7-117170989-A-G.
Other names: short protein forms R104G.
Identifiers: ClinVar variation 2562512 (VCV002562512.3), dbSNP rs369715785, ClinGen allele CA4450703.